The following is an entry in ClinVar:

ClinVar aggregate classification (germline): Uncertain significance. Review status: criteria provided, multiple submitters, no conflicts (2 of 4 stars). 2 submissions from 2 submitters: Uncertain significance (2). Last evaluated 2024-01-29.

Conditions:
Early-infantile DEE. Also called: Early infantile epileptic encephalopathy with suppression bursts; Early infantile epileptic encephalopathy; Ohtahara syndrome. Identifiers: Orphanet 1934, MedGen C0393706, MONDO:0800491.

Allele frequency attached by ClinVar (database versions not stated): gnomAD exomes below 0.00001 and 0.00001; ExAC 0.00001; TOPMed 0.00002.
gnomAD v4.1: 5 of 1,611,526 alleles (0.00031%); highest among the groups gnomAD compares: South Asian, 0.0011%; no homozygotes.

Submissions (2):

Labcorp Genetics (formerly Invitae), Labcorp
Classification: Uncertain significance for Early-infantile DEE. Last evaluated: 2024-01-29. Review status: criteria provided, single submitter. Criteria: Invitae Variant Classification Sherloc (09022015). Collection method: clinical testing. Allele origin: germline.
Comment: This sequence change replaces arginine, which is basic and polar, with glutamine, which is neutral and polar, at codon 547 of the KCNQ2 protein (p.Arg547Gln). This variant is present in population databases (rs760984494, gnomAD 0.004%). This variant has not been reported in the literature in individuals affected with KCNQ2-related conditions. ClinVar contains an entry for this variant (Variation ID: 390674). An algorithm developed to predict the effect of missense changes on protein structure and function (PolyPhen-2) suggests that this variant is likely to be disruptive. This variant disrupts the p.Arg547 amino acid residue in KCNQ2. Other variant(s) that disrupt this residue have been determined to be pathogenic (PMID: 23360469, 29655203; Invitae). This suggests that this residue is clinically significant, and that variants that disrupt this residue are likely to be disease-causing. In summary, the available evidence is currently insufficient to determine the role of this variant in disease. Therefore, it has been classified as a Variant of Uncertain Significance.

GeneDx
Classification: Uncertain significance. Last evaluated: 2021-05-20. Review status: criteria provided, single submitter. Criteria: GeneDx Variant Classification Process June 2021. Collection method: clinical testing. Allele origin: germline. Affected: yes.
Comment: Missense variants in this gene are often considered pathogenic (Stenson et al., 2014); In silico analysis supports that this missense variant does not alter protein structure/function; Has not been previously published as pathogenic or benign to our knowledge

Literature cited by the submitters: PubMed 23360469 (cited by Labcorp Genetics (formerly Invitae), Labcorp); PubMed 29655203 (cited by Labcorp Genetics (formerly Invitae), Labcorp).

NM_172107.4(KCNQ2):c.1640G>A (p.Arg547Gln)

Gene: KCNQ2 (potassium voltage-gated channel subfamily Q member 2; minus strand). Cytogenetic location: 20q13.33.
Variant type: single nucleotide variant.
Coding change: c.1640G>A on transcript NM_172107.4 (MANE Select); coding-DNA position 1640, G replaced by A.
Protein change: p.Arg547Gln; replaces arginine 547 with glutamine.
Molecular consequence: missense variant.
Genome position (GRCh38, 1-based): chr20:63,413,573, C>T on the plus strand (G>A on the coding strand, the complement: KCNQ2 is on the minus strand). VCF-style: chr20-63413573-C-T. GRCh37 (hg19) VCF-style: chr20-62044926-C-T.
Other names: c.1556G>A, p.Arg519Gln (NM_004518.6); c.1586G>A, p.Arg529Gln (NM_172106.3); c.1547G>A, p.Arg516Gln (NM_172108.5); short protein forms R547Q, R519Q, R516Q, R529Q.
Identifiers: ClinVar variation 390674 (VCV000390674.6), dbSNP rs760984494, ClinGen allele CA9958332.
Genomic context (GRCh38, chr20:63,413,573, plus strand): 5'-ACGTCCATCACGTCGTAGGGCCGCAGGCTCTCCTTGAACTTCCGCTTGGACACCAGGAAC[C>T]GCATGACACTGCAGGGGGGTGGGTGGGGCTGTGAGCCCTGGGCCAGAGACCCCCGGCCAC-3'
Protein context (NP_742105.1, residues 537-557): KVSIRAVCVM[Arg547Gln]FLVSKRKFKE